The following is an entry in ClinVar:

NM_000138.5(FBN1):c.5488del (p.Ser1830fs)

Gene: FBN1 (fibrillin 1; minus strand). Cytogenetic location: 15q21.1.
Variant type: Deletion.
Coding change: c.5488del on transcript NM_000138.5 (MANE Select); coding-DNA position 5488, one base deleted (A; older notation c.5488delA).
Protein change: p.Ser1830fs; shifts the reading frame from serine 1830.
Molecular consequence: frameshift variant.
Genome position (GRCh38, 1-based): chr15:48,452,619, T deleted on the plus strand (A on the coding strand, the reverse complement: FBN1 is on the minus strand). VCF-style (leftmost placement, unchanged base first): chr15-48452618-CT-C. GRCh37 (hg19) VCF-style: chr15-48744815-CT-C.
Other names: c.5488del, p.Ser1830fs (NM_001406716.1); short protein forms S1830fs.
Identifiers: ClinVar variation 3849167 (VCV003849167.1).

ClinVar aggregate classification (germline): Pathogenic (1 of 4 stars; one submission).

Conditions:
Familial thoracic aortic aneurysm and aortic dissection (TAAD). Also called: Thoracic aortic aneurysms and dissections. Identifiers: Orphanet 91387, MedGen C4707243, MONDO:0019625.

Submission:

Ambry Genetics
Classification: Pathogenic for Familial thoracic aortic aneurysm and aortic dissection. Last evaluated: 2024-12-28. Review status: criteria provided, single submitter. Criteria: Ambry Variant Classification Scheme 2023. Collection method: clinical testing. Allele origin: germline.
Comment: The c.5488delA pathogenic mutation, located in coding exon 44 of the FBN1 gene, results from a deletion of one nucleotide at nucleotide position 5488, causing a translational frameshift with a predicted alternate stop codon (p.S1830Afs*63). This variant is considered to be rare based on population cohorts in the Genome Aggregation Database (gnomAD). This alteration is expected to result in loss of function by premature protein truncation or nonsense-mediated mRNA decay. As such, this alteration is interpreted as a disease-causing mutation.